The following is an entry in ClinVar:

NM_004960.4(FUS):c.1022_1023del (p.Ser340_Phe341insTer)

Gene: FUS (FUS RNA binding protein; plus strand). Cytogenetic location: 16p11.2.
Variant type: Deletion.
Coding change: c.1022_1023del on transcript NM_004960.4 (MANE Select); coding-DNA positions 1022 to 1023, 2 bases deleted (TT; older notation c.1022_1023delTT).
Protein change: p.Ser340_Phe341insTer.
Molecular consequence: nonsense. On other transcripts: non-coding transcript variant (1).
Genome position (GRCh38, 1-based): chr16:31,189,750-31,189,751, TT deleted; deleting any 2 consecutive bases within chr16:31,189,748-31,189,751 gives the same sequence; the c. name uses the placement nearest the transcript's 3' end. VCF-style (leftmost placement, unchanged base first): chr16-31189747-CTT-C. GRCh37 (hg19) VCF-style: chr16-31201068-CTT-C.
Other names: c.1019_1020del, p.Ser339_Phe340insTer (NM_001170634.1); c.1010_1011del, p.Ser336_Phe337insTer (NM_001170937.1).
Identifiers: ClinVar variation 817574 (VCV000817574.1), dbSNP rs1596908744, ClinGen allele CA915949252.

ClinVar aggregate classification (germline): Pathogenic (1 of 4 stars; one submission).

Submission:

GeneDx
Classification: Pathogenic. Last evaluated: 2018-10-19. Review status: criteria provided, single submitter. Criteria: GeneDx Variant Classification (06012015). Collection method: clinical testing. Allele origin: germline. Affected: yes.
Comment: A pathogenic variant has been identified in the FUS gene. The c.1022_1023delTT variant has not been published as a pathogenic variant, nor has it been reported as a benign variant to our knowledge. The c.1022_1023delTT variant is not observed in large population cohorts (Lek et al., 2016). The deletion causes a frameshift starting with codon Phenylalanine 341 and changes this amino acid to a premature Stop codon, denoted p.Phe341Ter. This pathogenic variant is predicted to cause loss of normal protein function either through protein truncation or nonsense-mediated mRNA decay. Therefore, this variant is classififed as pathogenic.